The following is an entry in ClinVar:

NM_001366385.1(CARD14):c.2742C>G (p.His914Gln)

Genes: SGSH (N-sulfoglucosamine sulfohydrolase; minus strand), CARD14 (caspase recruitment domain family member 14; plus strand). Cytogenetic location: 17q25.3.
Variant type: single nucleotide variant.
Coding change: c.2742C>G on transcript NM_001366385.1 (MANE Select); coding-DNA position 2742, C replaced by G.
Protein change: p.His914Gln; replaces histidine 914 with glutamine.
Molecular consequence: missense variant. On other transcripts: non-coding transcript variant (1).
Genome position (GRCh38, 1-based): chr17:80,207,020, C>G. VCF-style: chr17-80207020-C-G. GRCh37 (hg19) VCF-style: chr17-78180819-C-G.
Other names: c.2742C>G, p.His914Gln (NM_024110.4); short protein forms H914Q.
Identifiers: ClinVar variation 844608 (VCV000844608.1), dbSNP rs759807969, ClinGen allele CA8817439.

ClinVar aggregate classification (germline): Uncertain significance (1 of 4 stars; one submission).

Conditions:
Pityriasis rubra pilaris (PRP). Also called: Pityriasis rubra pilaris--familial type. Identifiers: Orphanet 2897, MedGen C0032027, MONDO:0100017, OMIM 173200, MONDO:0008251.
Psoriasis 2. Identifiers: MedGen C1864497, MONDO:0011269, OMIM 602723.

Allele frequency attached by ClinVar (database versions not stated): gnomAD exomes below 0.00001; TOPMed below 0.00001; ExAC 0.00001; gnomAD 0.00001.
gnomAD v4.1: 5 of 1,613,964 alleles (0.00031%); highest among the groups gnomAD compares: East Asian, 0.0067%; no homozygotes.

Submission:

Labcorp Genetics (formerly Invitae), Labcorp
Classification: Uncertain significance for Pityriasis rubra pilaris; Psoriasis susceptibility 2. Last evaluated: 2019-05-01. Review status: criteria provided, single submitter. Criteria: Invitae Variant Classification Sherloc (09022015). Collection method: clinical testing. Allele origin: germline.
Comment: This sequence change replaces histidine with glutamine at codon 914 of the CARD14 protein (p.His914Gln). The histidine residue is moderately conserved and there is a small physicochemical difference between histidine and glutamine. This variant is present in population databases (rs759807969, ExAC 0.002%). This variant has not been reported in the literature in individuals with CARD14-related conditions. Algorithms developed to predict the effect of missense changes on protein structure and function output the following: SIFT: "Tolerated"; PolyPhen-2: "Benign"; Align-GVGD: "Class C0". The glutamine amino acid residue is found in multiple mammalian species, suggesting that this missense change does not adversely affect protein function. These predictions have not been confirmed by published functional studies and their clinical significance is uncertain. Algorithms developed to predict the effect of sequence changes on RNA splicing suggest that this variant may create or strengthen a splice site, but this prediction has not been confirmed by published transcriptional studies. In summary, the available evidence is currently insufficient to determine the role of this variant in disease. Therefore, it has been classified as a Variant of Uncertain Significance.